The following is an entry in ClinVar:

ClinVar aggregate classification (germline): Uncertain significance (1 of 4 stars; one submission).

Submission:

Ambry Genetics
Classification: Uncertain significance. Last evaluated: 2023-05-26. Review status: criteria provided, single submitter. Criteria: Ambry Variant Classification Scheme 2023. Collection method: clinical testing. Allele origin: germline.
Comment: The p.T168A variant (also known as c.502A>G), located in coding exon 1 of the EGLN1 gene, results from an A to G substitution at nucleotide position 502. The threonine at codon 168 is replaced by alanine, an amino acid with similar properties. This amino acid position is conserved. In addition, this alteration is predicted to be tolerated by in silico analysis. Since supporting evidence is limited at this time, the clinical significance of this alteration remains unclear.

NM_022051.3(EGLN1):c.502A>G (p.Thr168Ala)

Gene: EGLN1 (egl-9 family hypoxia inducible factor 1; minus strand). Cytogenetic location: 1q42.2.
Variant type: single nucleotide variant.
Coding change: c.502A>G on transcript NM_022051.3 (MANE Select); coding-DNA position 502, A replaced by G.
Protein change: p.Thr168Ala; replaces threonine 168 with alanine.
Molecular consequence: missense variant.
Genome position (GRCh38, 1-based): chr1:231,421,387, T>C on the plus strand (A>G on the coding strand, the complement: EGLN1 is on the minus strand). VCF-style: chr1-231421387-T-C. GRCh37 (hg19) VCF-style: chr1-231557133-T-C.
Other names: c.502A>G, p.Thr168Ala (NM_001377260.1, NM_001377261.1); short protein forms T168A.
Identifiers: ClinVar variation 2565135 (VCV002565135.2), dbSNP rs2527359775, ClinGen allele CA345236778.